The following is an entry in ClinVar:

NM_004329.3(BMPR1A):c.-267-9del

Gene: BMPR1A (bone morphogenetic protein receptor type 1A; plus strand). Cytogenetic location: 10q23.2.
Variant type: Deletion.
Coding change: c.-267-9del on transcript NM_004329.3 (MANE Select); 9 bases into the intron before 267 bases upstream of the start codon, one base deleted (T; older notation c.-267-9delT).
Molecular consequence: intron variant.
Genome position (GRCh38, 1-based): chr10:86,838,856, T deleted; the last of 9 consecutive T bases (chr10:86,838,848-86,838,856); deleting any one gives the same sequence. VCF-style (leftmost placement, unchanged base first): chr10-86838847-CT-C. GRCh37 (hg19) VCF-style: chr10-88598604-CT-C.
Other names: c.-267-9delT (NM_004329.2).
Identifiers: ClinVar variation 421441 (VCV000421441.1), dbSNP rs960178451, ClinGen allele CA16618994.

ClinVar aggregate classification (germline): Likely benign (1 of 4 stars; one submission).

Submission:

GeneDx
Classification: Likely benign. Last evaluated: 2016-06-15. Review status: criteria provided, single submitter. Criteria: GeneDx Variant Classification (06012015). Collection method: clinical testing. Allele origin: germline. Affected: yes.
Comment: This variant is considered likely benign or benign based on one or more of the following criteria: it is a conservative change, it occurs at a poorly conserved position in the protein, it is predicted to be benign by multiple in silico algorithms, and/or has population frequency not consistent with disease.